The following is an entry in ClinVar:

NM_181078.3(IL21R):c.143C>A (p.Thr48Asn)

Gene: IL21R (interleukin 21 receptor; plus strand). Cytogenetic location: 16p12.1.
Variant type: single nucleotide variant.
Coding change: c.143C>A on transcript NM_181078.3 (MANE Select); coding-DNA position 143, C replaced by A.
Protein change: p.Thr48Asn; replaces threonine 48 with asparagine.
Molecular consequence: missense variant.
Genome position (GRCh38, 1-based): chr16:27,434,440, C>A. VCF-style: chr16-27434440-C-A. GRCh37 (hg19) VCF-style: chr16-27445761-C-A.
Other names: c.143C>A, p.Thr48Asn (NM_021798.4); c.209C>A, p.Thr70Asn (NM_181079.5); short protein forms T70N, T48N.
Identifiers: ClinVar variation 2102056 (VCV002102056.4), dbSNP rs746657855, ClinGen allele CA395298689.

ClinVar aggregate classification (germline): Uncertain significance (1 of 4 stars; one submission).

Conditions:
Cryptosporidiosis-chronic cholangitis-liver disease syndrome. Also called: IL21R immunodeficiency; Immunodeficiency type 56. Identifiers: Orphanet 357329, MedGen C3554687, MONDO:0014082, OMIM 615207.

Submission:

Labcorp Genetics (formerly Invitae), Labcorp
Classification: Uncertain significance for Cryptosporidiosis-chronic cholangitis-liver disease syndrome. Last evaluated: 2022-02-22. Review status: criteria provided, single submitter. Criteria: Invitae Variant Classification Sherloc (09022015). Collection method: clinical testing. Allele origin: germline.
Comment: Algorithms developed to predict the effect of missense changes on protein structure and function (SIFT, PolyPhen-2, Align-GVGD) all suggest that this variant is likely to be tolerated. This variant has not been reported in the literature in individuals affected with IL21R-related conditions. This variant is not present in population databases (gnomAD no frequency). This sequence change replaces threonine, which is neutral and polar, with asparagine, which is neutral and polar, at codon 48 of the IL21R protein (p.Thr48Asn). In summary, the available evidence is currently insufficient to determine the role of this variant in disease. Therefore, it has been classified as a Variant of Uncertain Significance.